The following is an entry in ClinVar:

NM_014795.4(ZEB2):c.2950T>C (p.Ser984Pro)

Gene: ZEB2 (zinc finger E-box binding homeobox 2; minus strand). Cytogenetic location: 2q22.3.
Variant type: single nucleotide variant.
Coding change: c.2950T>C on transcript NM_014795.4 (MANE Select); coding-DNA position 2950, T replaced by C.
Protein change: p.Ser984Pro; replaces serine 984 with proline.
Molecular consequence: missense variant.
Genome position (GRCh38, 1-based): chr2:144,396,529, A>G on the plus strand (T>C on the coding strand, the complement: ZEB2 is on the minus strand). VCF-style: chr2-144396529-A-G. GRCh37 (hg19) VCF-style: chr2-145154096-A-G.
Other names: c.2878T>C, p.Ser960Pro (NM_001171653.2); short protein forms S960P, S984P.
Identifiers: ClinVar variation 1309388 (VCV001309388.2), dbSNP rs2149875549, ClinGen allele CA348704379.

ClinVar aggregate classification (germline): Uncertain significance (1 of 4 stars; one submission).

Submission:

GeneDx
Classification: Uncertain significance. Last evaluated: 2019-10-30. Review status: criteria provided, single submitter. Criteria: GeneDx Variant Classification Process June 2021. Collection method: clinical testing. Allele origin: germline. Affected: yes.
Comment: Not observed in large population cohorts (Lek et al., 2016); In silico analysis, which includes protein predictors and evolutionary conservation, supports that this variant does not alter protein structure/function; Has not been previously published as pathogenic or benign to our knowledge